The following is an entry in ClinVar:

ClinVar aggregate classification (germline): Likely benign. Review status: criteria provided, multiple submitters, no conflicts (2 of 4 stars). 4 submissions from 4 submitters: Likely benign (4). Last evaluated 2025-12-02.

Conditions:
Cardiovascular phenotype. Identifiers: MedGen CN230736.
Catecholaminergic polymorphic ventricular tachycardia (CVPT). Also called: Catecholamine-induced polymorphic ventricular tachycardia. Identifiers: Orphanet 3286, MedGen C5574922, MONDO:0017990.
Cardiomyopathy (CMYO). Also called: Cardiomyopathies. Identifiers: Orphanet 167848, MedGen C0878544, MONDO:0004994, HP:0001638. Inheritance: Various modes of inheritance.
Catecholaminergic polymorphic ventricular tachycardia 1. Also called: VENTRICULAR TACHYCARDIA, CATECHOLAMINERGIC POLYMORPHIC, 1, WITH OR WITHOUT ATRIAL DYSFUNCTION AND/OR DILATED CARDIOMYOPATHY; VENTRICULAR TACHYCARDIA, STRESS-INDUCED POLYMORPHIC 1; RYR2-Related Catecholaminergic Polymorphic Ventricular Tachycardia. Identifiers: Orphanet 3286, MedGen C1631597, MONDO:0011484, OMIM 604772.

Allele frequency attached by ClinVar (database versions not stated): gnomAD below 0.00001 and 0.00002; TOPMed 0.00001; gnomAD exomes 0.00002 and 0.00003; ExAC 0.00003.
gnomAD v4.1: 35 of 1,612,142 alleles (0.0022%); highest among the groups gnomAD compares: South Asian, 0.032%; no homozygotes.

Submissions (4):

Labcorp Genetics (formerly Invitae), Labcorp
Classification: Likely benign for Catecholaminergic polymorphic ventricular tachycardia 1. Last evaluated: 2025-12-02. Review status: criteria provided, single submitter. Criteria: Invitae Variant Classification Sherloc (09022015). Collection method: clinical testing. Allele origin: germline.

All of Us Research Program, National Institutes of Health
Classification: Likely benign for Catecholaminergic polymorphic ventricular tachycardia. Last evaluated: 2024-08-29. Review status: criteria provided, single submitter. Criteria: ACMG Guidelines, 2015. Collection method: clinical testing. Allele origin: germline. Inheritance: Autosomal dominant inheritance. Observed: 3 variant alleles, 3 heterozygotes.
Comment: This study involves interpretation of variants in research participants for the purpose of population health screening. Participant phenotype was not available at the time of variant classification. Additional details can be found in publication PMID: 35346344, PMCID: PMC8962531

Ambry Genetics
Classification: Likely benign for Cardiovascular phenotype. Last evaluated: 2024-05-06. Review status: criteria provided, single submitter. Criteria: Ambry Variant Classification Scheme 2023. Collection method: clinical testing. Allele origin: germline.

Color Diagnostics, LLC DBA Color Health
Classification: Likely benign for Cardiomyopathy. Last evaluated: 2019-12-09. Review status: criteria provided, single submitter. Criteria: ACMG Guidelines, 2015. Collection method: clinical testing. Allele origin: germline.

NM_001035.3(RYR2):c.10665A>T (p.Ala3555=)

Gene: RYR2 (ryanodine receptor 2; plus strand). Cytogenetic location: 1q43.
Variant type: single nucleotide variant.
Coding change: c.10665A>T on transcript NM_001035.3 (MANE Select); coding-DNA position 10665, A replaced by T.
Protein change: p.Ala3555=; no amino-acid change (alanine 3555 retained).
Molecular consequence: synonymous variant.
Genome position (GRCh38, 1-based): chr1:237,723,238, A>T. VCF-style: chr1-237723238-A-T. GRCh37 (hg19) VCF-style: chr1-237886538-A-T.
Other names: c.10665A>T (NM_001035.2).
Identifiers: ClinVar variation 926319 (VCV000926319.13), dbSNP rs764666057, ClinGen allele CA084435.